The following is an entry in ClinVar:

NM_003848.4(SUCLG2):c.377C>T (p.Ala126Val)

Gene: SUCLG2 (succinate-CoA ligase GDP-forming subunit beta; minus strand). Cytogenetic location: 3p14.1.
Variant type: single nucleotide variant.
Coding change: c.377C>T on transcript NM_003848.4 (MANE Select); coding-DNA position 377, C replaced by T.
Protein change: p.Ala126Val; replaces alanine 126 with valine.
Molecular consequence: missense variant.
Genome position (GRCh38, 1-based): chr3:67,528,172, G>A on the plus strand (C>T on the coding strand, the complement: SUCLG2 is on the minus strand). VCF-style: chr3-67528172-G-A. GRCh37 (hg19) VCF-style: chr3-67578596-G-A.
Other names: c.377C>T, p.Ala126Val (NM_001177599.2); c.377C>T (NM_001177599.1); short protein forms A126V.
Identifiers: ClinVar variation 2165513 (VCV002165513.6), dbSNP rs200929532, ClinGen allele CA2486049.

ClinVar aggregate classification (germline): Uncertain significance. Review status: criteria provided, multiple submitters, no conflicts (2 of 4 stars). 2 submissions from 2 submitters: Uncertain significance (2). Last evaluated 2025-12-18.

Allele frequency attached by ClinVar (database versions not stated): ESP Exome Variant Server 0.00008; 1000 Genomes Project 0.00020; TOPMed 0.00022; gnomAD 0.00038; 1000 Genomes Project 30x 0.00062.
gnomAD v4.1: 493 of 1,613,742 alleles (0.031%); highest among the groups gnomAD compares: Non-Finnish European, 0.035%; no homozygotes.

Submissions (2):

Labcorp Genetics (formerly Invitae), Labcorp
Classification: Uncertain significance. Last evaluated: 2025-12-18. Review status: criteria provided, single submitter. Criteria: Invitae Variant Classification Sherloc (09022015). Collection method: clinical testing. Allele origin: germline.
Comment: This sequence change replaces alanine, which is neutral and non-polar, with valine, which is neutral and non-polar, at codon 126 of the SUCLG2 protein (p.Ala126Val). This variant is present in population databases (rs200929532, gnomAD 0.05%). This variant has not been reported in the literature in individuals affected with SUCLG2-related conditions. ClinVar contains an entry for this variant (Variation ID: 2165513). An algorithm developed to predict the effect of missense changes on protein structure and function (PolyPhen-2) suggests that this variant is likely to be tolerated. In summary, the available evidence is currently insufficient to determine the role of this variant in disease. Therefore, it has been classified as a Variant of Uncertain Significance.

Ambry Genetics
Classification: Uncertain significance. Last evaluated: 2025-01-22. Review status: criteria provided, single submitter. Criteria: Ambry Variant Classification Scheme 2023. Collection method: clinical testing. Allele origin: germline.